The following is an entry in ClinVar:

ClinVar aggregate classification (germline): Conflicting classifications of pathogenicity. Review status: criteria provided, conflicting classifications (1 of 4 stars). 4 submissions from 4 submitters: Uncertain significance (2); Likely benign (2). Last evaluated 2025-12-21.

Conditions:
Familial hemophagocytic lymphohistiocytosis 5. Also called: STXBP2-Related Familial Hemophagocytic Lymphohistiocytosis (STXBP2-fHLH). Identifiers: Orphanet 540, MedGen C2751293, MONDO:0013135, OMIM 613101.
Inborn genetic diseases. Identifiers: MedGen C0950123, MeSH D030342.

Allele frequency attached by ClinVar (database versions not stated): gnomAD exomes 0.00004 and 0.00005; TOPMed 0.00005; gnomAD 0.00006 and 0.00007; ExAC 0.00010; 1000 Genomes Project 30x 0.00016.
gnomAD v4.1: 79 of 1,552,072 alleles (0.0051%); highest among the groups gnomAD compares: African/African-American, 0.029%; no homozygotes.

Submissions (4):

Labcorp Genetics (formerly Invitae), Labcorp
Classification: Likely benign for Familial hemophagocytic lymphohistiocytosis 5. Last evaluated: 2025-12-21. Review status: criteria provided, single submitter. Criteria: Invitae Variant Classification Sherloc (09022015). Collection method: clinical testing. Allele origin: germline.

Women's Health and Genetics/Laboratory Corporation of America, LabCorp
Classification: Uncertain significance. Last evaluated: 2025-06-16. Review status: criteria provided, single submitter. Criteria: LabCorp Variant Classification Summary - May 2015. Collection method: clinical testing. Allele origin: germline.
Comment: Variant summary: STXBP2 c.494G>A (p.Arg165His) results in a non-conservative amino acid change in the encoded protein sequence. Algorithms developed to predict the effect of missense changes on protein structure and function are either unavailable or do not agree on the potential impact of this missense change. The variant allele was found at a frequency of 4.4e-05 in 157396 control chromosomes. The available data on variant occurrences in the general population are insufficient to allow any conclusion about variant significance. To our knowledge, no occurrence of c.494G>A in individuals affected with Familial Hemophagocytic Lymphohistiocytosis and no experimental evidence demonstrating its impact on protein function have been reported. ClinVar contains an entry for this variant (Variation ID: 1009169). Based on the evidence outlined above, the variant was classified as uncertain significance.

Ambry Genetics
Classification: Uncertain significance for Inborn genetic diseases. Last evaluated: 2024-03-19. Review status: criteria provided, single submitter. Criteria: Ambry Variant Classification Scheme 2023. Collection method: clinical testing. Allele origin: germline.

Breakthrough Genomics
Classification: Likely benign. Review status: criteria provided, single submitter. Criteria: ACMG Guidelines, 2015. Collection method: not provided. Allele origin: germline. Inheritance: Autosomal recessive inheritance. Affected: yes.

NM_006949.4(STXBP2):c.494G>A (p.Arg165His)

Gene: STXBP2 (syntaxin binding protein 2; plus strand). Cytogenetic location: 19p13.2.
Variant type: single nucleotide variant.
Coding change: c.494G>A on transcript NM_006949.4 (MANE Select); coding-DNA position 494, G replaced by A.
Protein change: p.Arg165His; replaces arginine 165 with histidine.
Molecular consequence: missense variant. On other transcripts: non-coding transcript variant (1).
Genome position (GRCh38, 1-based): chr19:7,641,769, G>A. VCF-style: chr19-7641769-G-A. GRCh37 (hg19) VCF-style: chr19-7706655-G-A.
Other names: c.494G>A (NM_006949.2); c.485G>A, p.Arg162His (NM_001127396.3); c.527G>A, p.Arg176His (NM_001272034.2); short protein forms R162H, R165H, R176H.
Identifiers: ClinVar variation 1009169 (VCV001009169.12), dbSNP rs747969201, ClinGen allele CA9143671.